The following is an entry in ClinVar:

NM_007375.4(TARDBP):c.1213A>G (p.Met405Val)

Gene: TARDBP (TAR DNA binding protein; plus strand). Cytogenetic location: 1p36.22.
Variant type: single nucleotide variant.
Coding change: c.1213A>G on transcript NM_007375.4 (MANE Select); coding-DNA position 1213, A replaced by G.
Protein change: p.Met405Val; replaces methionine 405 with valine.
Molecular consequence: missense variant.
Genome position (GRCh38, 1-based): chr1:11,022,622, A>G. VCF-style: chr1-11022622-A-G. GRCh37 (hg19) VCF-style: chr1-11082679-A-G.
Other names: short protein forms M405V.
Identifiers: ClinVar variation 1750908 (VCV001750908.8), dbSNP rs762209110, ClinGen allele CA17876551.

ClinVar aggregate classification (germline): Uncertain significance. Review status: criteria provided, multiple submitters, no conflicts (2 of 4 stars). 2 submissions from 2 submitters: Uncertain significance (2). Last evaluated 2023-06-19.

Conditions:
Amyotrophic lateral sclerosis type 10 (ALS10). Also called: TARDBP-Related Amyotrophic Lateral Sclerosis-Frontotemporal Dementia; AMYOTROPHIC LATERAL SCLEROSIS 10 WITHOUT FRONTOTEMPORAL DEMENTIA AND WITH TDP43 INCLUSIONS; AMYOTROPHIC LATERAL SCLEROSIS 10 WITH OR WITHOUT FRONTOTEMPORAL DEMENTIA AND WITH TDP43 INCLUSIONS; AMYOTROPHIC LATERAL SCLEROSIS 10 WITH OR WITHOUT FRONTOTEMPORAL DEMENTIA; Amyotrophic lateral sclerosis 10, with or without FTD. Identifiers: Orphanet 275872, Orphanet 803, MedGen C2677565, MONDO:0012790, OMIM 612069.
FRONTOTEMPORAL LOBAR DEGENERATION WITH TDP43 INCLUSIONS, TARDBP-RELATED. Also called: Frontotemporal lobar degeneration, TARDBP-related. Identifiers: MedGen C3150169, OMIM 612069.
Inborn genetic diseases. Identifiers: MedGen C0950123, MeSH D030342.

Allele frequency attached by ClinVar (database versions not stated): gnomAD 0.00001; TOPMed 0.00001; gnomAD exomes 0.00002.
gnomAD v4.1: 27 of 1,605,580 alleles (0.0017%); highest among the groups gnomAD compares: Non-Finnish European, 0.002%; no homozygotes.

Submissions (2):

Labcorp Genetics (formerly Invitae), Labcorp
Classification: Uncertain significance for Amyotrophic lateral sclerosis type 10; FRONTOTEMPORAL LOBAR DEGENERATION WITH TDP43 INCLUSIONS, TARDBP-RELATED. Last evaluated: 2023-06-19. Review status: criteria provided, single submitter. Criteria: Invitae Variant Classification Sherloc (09022015). Collection method: clinical testing. Allele origin: germline.
Comment: The frequency data for this variant in the population databases is considered unreliable, as metrics indicate poor data quality at this position in the gnomAD database. This sequence change replaces methionine, which is neutral and non-polar, with valine, which is neutral and non-polar, at codon 405 of the TARDBP protein (p.Met405Val). This missense change has been observed in individual(s) with amyotrophic lateral sclerosis and/or frontotemporal dementia (PMID: 33589474, 34162492). In summary, the available evidence is currently insufficient to determine the role of this variant in disease. Therefore, it has been classified as a Variant of Uncertain Significance. An algorithm developed to predict the effect of missense changes on protein structure and function (PolyPhen-2) suggests that this variant is likely to be disruptive. ClinVar contains an entry for this variant (Variation ID: 1750908).

Ambry Genetics
Classification: Uncertain significance for Inborn genetic diseases. Last evaluated: 2022-02-03. Review status: criteria provided, single submitter. Criteria: Ambry Variant Classification Scheme 2023. Collection method: clinical testing. Allele origin: germline.
Comment: The p.M405V variant (also known as c.1213A>G), located in coding exon 5 of the TARDBP gene, results from an A to G substitution at nucleotide position 1213. The methionine at codon 405 is replaced by valine, an amino acid with highly similar properties. This alteration has been reported in the heterozygous state in patients with frontotemporal dementia-motor neuron disease and amyotophic lateral sclerosis; however, clinical details were limited (Artan S et al. Neurobiol Aging, 2021 10;106:332.e1-332.e11; Shepheard SR et al. J Neurol Neurosurg Psychiatry, 2021 05;92:510-518). This amino acid position is highly conserved in available vertebrate species. In addition, this alteration is predicted to be deleterious by in silico analysis. Since supporting evidence is limited at this time, the clinical significance of this alteration remains unclear.

Literature cited by the submitters: PubMed 33589474 (cited by Labcorp Genetics (formerly Invitae), Labcorp and Ambry Genetics); PubMed 34162492 (cited by Labcorp Genetics (formerly Invitae), Labcorp and Ambry Genetics).